The following is an entry in ClinVar:

ClinVar aggregate classification (germline): Uncertain significance (1 of 4 stars; one submission).

Conditions:
Cardiovascular phenotype. Identifiers: MedGen CN230736.

Submission:

Ambry Genetics
Classification: Uncertain significance for Cardiovascular phenotype. Last evaluated: 2026-07-07. Review status: criteria provided, single submitter. Criteria: Ambry Variant Classification Scheme 2023. Collection method: clinical testing. Allele origin: germline.
Comment: The p.A764T variant (also known as c.2290G>A), located in coding exon 14 of the DSG2 gene, results from a G to A substitution at nucleotide position 2290. The alanine at codon 764 is replaced by threonine, an amino acid with similar properties. This amino acid position is conserved. In addition, this alteration is predicted to be tolerated by in silico analysis. Based on the available evidence, the clinical significance of this variant remains unclear.

NM_001943.5(DSG2):c.2290G>A (p.Ala764Thr)

Genes: DSG2 (desmoglein 2; plus strand), DSG2-AS1 (DSG2 antisense RNA 1; minus strand). Cytogenetic location: 18q12.1.
Variant type: single nucleotide variant.
Coding change: c.2290G>A on transcript NM_001943.5 (MANE Select); coding-DNA position 2290, G replaced by A.
Protein change: p.Ala764Thr; replaces alanine 764 with threonine.
Molecular consequence: missense variant.
Genome position (GRCh38, 1-based): chr18:31,542,808, G>A. VCF-style: chr18-31542808-G-A. GRCh37 (hg19) VCF-style: chr18-29122771-G-A.
Other names: short protein forms A764T.
Identifiers: ClinVar variation 5035609 (VCV005035609.1).